The following is an entry in ClinVar:

NM_000138.5(FBN1):c.2854+2T>C

Gene: FBN1 (fibrillin 1; minus strand). Cytogenetic location: 15q21.1.
Variant type: single nucleotide variant.
Coding change: c.2854+2T>C on transcript NM_000138.5 (MANE Select); the canonical splice donor site of the intron after coding-DNA position 2854, T replaced by C.
Molecular consequence: splice donor variant.
Genome position (GRCh38, 1-based): chr15:48,492,459, A>G on the plus strand (T>C on the coding strand, the complement: FBN1 is on the minus strand). VCF-style: chr15-48492459-A-G. GRCh37 (hg19) VCF-style: chr15-48784656-A-G.
Other names: c.2854+2T>C (NM_001406716.1).
Identifiers: ClinVar variation 857560 (VCV000857560.10), dbSNP rs2043568077, ClinGen allele CA392330382.

ClinVar aggregate classification (germline): Pathogenic (1 of 4 stars; one submission).

Conditions:
Familial thoracic aortic aneurysm and aortic dissection (TAAD). Also called: Thoracic aortic aneurysms and dissections. Identifiers: Orphanet 91387, MedGen C4707243, MONDO:0019625.
Marfan syndrome (MFS). Also called: FBN1-Related Marfan Syndrome; Marfan's syndrome; MARFAN SYNDROME, TYPE I; Marfan syndrome type 1; Marfan syndrome, classic. Identifiers: Orphanet 284963, Orphanet 558, MedGen C0024796, MONDO:0007947, OMIM 154700.

Submission:

Labcorp Genetics (formerly Invitae), Labcorp
Classification: Pathogenic for Marfan syndrome; Familial thoracic aortic aneurysm and aortic dissection. Last evaluated: 2022-10-28. Review status: criteria provided, single submitter. Criteria: Invitae Variant Classification Sherloc (09022015). Collection method: clinical testing. Allele origin: germline.
Comment: This sequence change affects a donor splice site in intron 24 of the FBN1 gene. It is expected to disrupt RNA splicing. Variants that disrupt the donor or acceptor splice site typically lead to a loss of protein function (PMID: 16199547), and loss-of-function variants in FBN1 are known to be pathogenic (PMID: 17657824, 19293843). For these reasons, this variant has been classified as Pathogenic. Algorithms developed to predict the effect of sequence changes on RNA splicing suggest that this variant may disrupt the consensus splice site. ClinVar contains an entry for this variant (Variation ID: 857560). Disruption of this splice site has been observed in individuals with clinical features of Marfan syndrome (PMID: 24199744, 27906200; Invitae). This variant is not present in population databases (gnomAD no frequency).

Literature cited by the submitters: PubMed 16199547; PubMed 17657824; PubMed 19293843; PubMed 24199744; PubMed 27906200.